The following is an entry in ClinVar:

NM_001104631.2(PDE4D):c.649C>T (p.His217Tyr)

Gene: PDE4D (phosphodiesterase 4D; minus strand). Cytogenetic location: 5q11.2.
Variant type: single nucleotide variant.
Coding change: c.649C>T on transcript NM_001104631.2 (MANE Select); coding-DNA position 649, C replaced by T.
Protein change: p.His217Tyr; replaces histidine 217 with tyrosine.
Molecular consequence: missense variant. On other transcripts: 5 prime UTR variant (3).
Genome position (GRCh38, 1-based): chr5:59,193,535, G>A on the plus strand (C>T on the coding strand, the complement: PDE4D is on the minus strand). VCF-style: chr5-59193535-G-A. GRCh37 (hg19) VCF-style: chr5-58489361-G-A.
Other names: c.457C>T, p.His153Tyr (NM_001197218.2, NM_001364602.2); c.283C>T, p.His95Tyr (NM_001197219.2); c.259C>T, p.His87Tyr (NM_001197220.2); c.436C>T, p.His146Tyr (NM_001349241.2); c.319C>T, p.His107Tyr (NM_001349242.2); c.-46C>T (NM_001349243.2, NM_001364604.1); c.466C>T, p.His156Tyr (NM_001364599.1, NM_001364600.2, NM_001165899.2); c.-302C>T (NM_001364603.1); and 1 more; short protein forms H107Y, H217Y, H81Y, H146Y, H153Y, H87Y, H156Y, H95Y.
Identifiers: ClinVar variation 3305401 (VCV003305401.3).

ClinVar aggregate classification (germline): Uncertain significance. Review status: criteria provided, multiple submitters, no conflicts (2 of 4 stars). 2 submissions from 2 submitters: Uncertain significance (2). Last evaluated 2024-10-16.

Conditions:
Inborn genetic diseases. Identifiers: MedGen C0950123, MeSH D030342.

gnomAD v4.1: 4 of 1,613,342 alleles (0.00025%); highest among the groups gnomAD compares: South Asian, 0.0022%; no homozygotes.

Submissions (2):

Labcorp Genetics (formerly Invitae), Labcorp
Classification: Uncertain significance. Last evaluated: 2024-10-16. Review status: criteria provided, single submitter. Criteria: Invitae Variant Classification Sherloc (09022015). Collection method: clinical testing. Allele origin: germline.
Comment: This sequence change replaces histidine, which is basic and polar, with tyrosine, which is neutral and polar, at codon 217 of the PDE4D protein (p.His217Tyr). This variant is not present in population databases (gnomAD no frequency). This variant has not been reported in the literature in individuals affected with PDE4D-related conditions. An algorithm developed to predict the effect of missense changes on protein structure and function (PolyPhen-2) suggests that this variant is likely to be disruptive. In summary, the available evidence is currently insufficient to determine the role of this variant in disease. Therefore, it has been classified as a Variant of Uncertain Significance.

Ambry Genetics
Classification: Uncertain significance for Inborn genetic diseases. Last evaluated: 2024-06-03. Review status: criteria provided, single submitter. Criteria: Ambry Variant Classification Scheme 2023. Collection method: clinical testing. Allele origin: germline.